The following is an entry in ClinVar:

NM_005379.4(MYO1A):c.1277C>T (p.Pro426Leu)

Gene: MYO1A (myosin IA; minus strand). Cytogenetic location: 12q13.3.
Variant type: single nucleotide variant.
Coding change: c.1277C>T on transcript NM_005379.4 (MANE Select); coding-DNA position 1277, C replaced by T.
Protein change: p.Pro426Leu; replaces proline 426 with leucine.
Molecular consequence: missense variant.
Genome position (GRCh38, 1-based): chr12:57,039,267, G>A on the plus strand (C>T on the coding strand, the complement: MYO1A is on the minus strand). VCF-style: chr12-57039267-G-A. GRCh37 (hg19) VCF-style: chr12-57433051-G-A.
Other names: c.1277C>T, p.Pro426Leu (NM_001256041.2); short protein forms P426L.
Identifiers: ClinVar variation 45307 (VCV000045307.23), dbSNP rs4759043, ClinGen allele CA136000.

ClinVar aggregate classification (germline): Benign/Likely benign. Review status: criteria provided, multiple submitters, no conflicts (2 of 4 stars). 5 submissions from 5 submitters: Benign (3); Likely benign (2). Last evaluated 2023-11-08.

Allele frequency attached by ClinVar (database versions not stated): ESP Exome Variant Server 0.00131; gnomAD 0.01201 and 0.01227; 1000 Genomes Project 0.02256; 1000 Genomes Project 30x 0.02389; ExAC 0.02459; TOPMed 0.02488; gnomAD exomes 0.03189.
gnomAD v4.1: 12,017 of 1,613,766 alleles (0.74%); highest among the groups gnomAD compares: Admixed American, 18%; 1,297 homozygotes.

Submissions (5):

ARUP Laboratories, Molecular Genetics and Genomics, ARUP Laboratories
Classification: Benign. Last evaluated: 2023-11-08. Review status: criteria provided, single submitter. Criteria: ARUP Molecular Germline Variant Investigation Process 2024. Collection method: clinical testing. Allele origin: germline.

GeneDx
Classification: Benign. Last evaluated: 2017-11-02. Review status: criteria provided, single submitter. Criteria: GeneDx Variant Classification (06012015). Collection method: clinical testing. Allele origin: germline. Affected: yes.
Comment: This variant is considered likely benign or benign based on one or more of the following criteria: it is a conservative change, it occurs at a poorly conserved position in the protein, it is predicted to be benign by multiple in silico algorithms, and/or has population frequency not consistent with disease.

Eurofins Ntd Llc (ga)
Classification: Likely benign. Last evaluated: 2017-04-25. Review status: criteria provided, single submitter. Criteria: EGL Classification Definitions 2015. Collection method: clinical testing. Allele origin: germline. Observed: 1 variant allele, 1 heterozygote.

Laboratory for Molecular Medicine, Mass General Brigham Personalized Medicine
Classification: Benign. Last evaluated: 2012-05-07. Review status: criteria provided, single submitter. Criteria: LMM Criteria. Collection method: clinical testing. Allele origin: germline. Observed: 25 variant alleles.
Comment: Pro426Leu in Exon 15 of MYO1A: This variant is not expected to have clinical sig nificance because it has been identified in 15.0% (15/100) of chromosomes from a population in the dbSNP database (rs4 759043).

Breakthrough Genomics
Classification: Likely benign. Review status: criteria provided, single submitter. Criteria: ACMG Guidelines, 2015. Collection method: not provided. Allele origin: germline. Inheritance: Unknown mechanism. Affected: yes.